The following is an entry in ClinVar:

ClinVar aggregate classification (germline): Uncertain significance. Review status: criteria provided, multiple submitters, no conflicts (2 of 4 stars). 2 submissions from 2 submitters: Uncertain significance (2). Last evaluated 2026-05-06.

Conditions:
Hereditary cancer-predisposing syndrome. Also called: Hereditary neoplastic syndrome; Neoplastic Syndromes, Hereditary; Hereditary Cancer Syndrome; Tumor predisposition. Identifiers: Orphanet 140162, MedGen C0027672, MeSH D009386, MONDO:0015356.
Gastrointestinal stromal tumor. Also called: Gastrointestinal stromal tumor, somatic; Gastrointestinal stroma tumor. Identifiers: Orphanet 44890, MedGen C0238198, MeSH D046152, MONDO:0011719, OMIM 606764, HP:0100723.

Allele frequency attached by ClinVar (database versions not stated): gnomAD exomes below 0.00001; ExAC 0.00001.
gnomAD v4.1: 2 of 1,613,016 alleles (0.00012%); no homozygotes.

Submissions (2):

Ambry Genetics
Classification: Uncertain significance for Hereditary cancer-predisposing syndrome. Last evaluated: 2026-05-06. Review status: criteria provided, single submitter. Criteria: Ambry Variant Classification Scheme 2023. Collection method: clinical testing. Allele origin: germline.
Comment: The p.M980V variant (also known as c.2938A>G), located in coding exon 21 of the PDGFRA gene, results from an A to G substitution at nucleotide position 2938. The methionine at codon 980 is replaced by valine, an amino acid with highly similar properties. This amino acid position is not well conserved in available vertebrate species. In addition, this alteration is predicted to be tolerated by in silico analysis. Based on the available evidence, the clinical significance of this variant remains unclear.

Labcorp Genetics (formerly Invitae), Labcorp
Classification: Uncertain significance for Gastrointestinal stromal tumor. Last evaluated: 2025-12-21. Review status: criteria provided, single submitter. Criteria: Invitae Variant Classification Sherloc (09022015). Collection method: clinical testing. Allele origin: germline.
Comment: This sequence change replaces methionine, which is neutral and non-polar, with valine, which is neutral and non-polar, at codon 980 of the PDGFRA protein (p.Met980Val). This variant is present in population databases (rs769579172, gnomAD 0.01%). This variant has not been reported in the literature in individuals affected with PDGFRA-related conditions. ClinVar contains an entry for this variant (Variation ID: 958491). Invitae Evidence Modeling of protein sequence and biophysical properties (such as structural, functional, and spatial information, amino acid conservation, physicochemical variation, residue mobility, and thermodynamic stability) indicates that this missense variant is not expected to disrupt PDGFRA protein function with a negative predictive value of 80%. In summary, the available evidence is currently insufficient to determine the role of this variant in disease. Therefore, it has been classified as a Variant of Uncertain Significance.

NM_006206.6(PDGFRA):c.2938A>G (p.Met980Val)

Gene: PDGFRA (platelet derived growth factor receptor alpha; plus strand). Cytogenetic location: 4q12.
Variant type: single nucleotide variant.
Coding change: c.2938A>G on transcript NM_006206.6 (MANE Select); coding-DNA position 2938, A replaced by G.
Protein change: p.Met980Val; replaces methionine 980 with valine.
Molecular consequence: missense variant.
Genome position (GRCh38, 1-based): chr4:54,290,370, A>G. VCF-style: chr4-54290370-A-G. GRCh37 (hg19) VCF-style: chr4-55156537-A-G.
Other names: c.3013A>G, p.Met1005Val (NM_001347828.2); c.2938A>G, p.Met980Val (NM_001347829.2); c.2977A>G, p.Met993Val (NM_001347830.2); short protein forms M980V, M1005V, M993V.
Identifiers: ClinVar variation 958491 (VCV000958491.11), dbSNP rs769579172, ClinGen allele CA2922993.